The following is an entry in ClinVar:

ClinVar aggregate classification (germline): Uncertain significance (1 of 4 stars; one submission).

Allele frequency attached by ClinVar (database versions not stated): gnomAD 0.00001; TOPMed 0.00001.

Submission:

Labcorp Genetics (formerly Invitae), Labcorp
Classification: Uncertain significance. Last evaluated: 2024-03-11. Review status: criteria provided, single submitter. Criteria: Invitae Variant Classification Sherloc (09022015). Collection method: clinical testing. Allele origin: germline.
Comment: This sequence change replaces arginine, which is basic and polar, with serine, which is neutral and polar, at codon 25 of the TACO1 protein (p.Arg25Ser). This variant is not present in population databases (gnomAD no frequency). This variant has not been reported in the literature in individuals affected with TACO1-related conditions. ClinVar contains an entry for this variant (Variation ID: 2090825). Experimental studies and prediction algorithms are not available or were not evaluated, and the functional significance of this variant is currently unknown. In summary, the available evidence is currently insufficient to determine the role of this variant in disease. Therefore, it has been classified as a Variant of Uncertain Significance.

NM_016360.4(TACO1):c.75G>C (p.Arg25Ser)

Gene: TACO1 (translational activator of cytochrome c oxidase I; plus strand). Cytogenetic location: 17q23.3.
Variant type: single nucleotide variant.
Coding change: c.75G>C on transcript NM_016360.4 (MANE Select); coding-DNA position 75, G replaced by C.
Protein change: p.Arg25Ser; replaces arginine 25 with serine.
Molecular consequence: missense variant.
Genome position (GRCh38, 1-based): chr17:63,601,158, G>C. VCF-style: chr17-63601158-G-C. GRCh37 (hg19) VCF-style: chr17-61678517-G-C.
Other names: short protein forms R25S.
Identifiers: ClinVar variation 2090825 (VCV002090825.4), dbSNP rs1018933720, ClinGen allele CA292903419.